The following is an entry in ClinVar:

NM_152305.3(POGLUT1):c.103T>C (p.Phe35Leu)

Gene: POGLUT1 (protein O-glucosyltransferase 1; plus strand). Cytogenetic location: 3q13.33.
Variant type: single nucleotide variant.
Coding change: c.103T>C on transcript NM_152305.3 (MANE Select); coding-DNA position 103, T replaced by C.
Protein change: p.Phe35Leu; replaces phenylalanine 35 with leucine.
Molecular consequence: missense variant. On other transcripts: non-coding transcript variant (1).
Genome position (GRCh38, 1-based): chr3:119,469,837, T>C. VCF-style: chr3-119469837-T-C. GRCh37 (hg19) VCF-style: chr3-119188684-T-C.
Other names: c.103T>C, p.Phe35Leu (NM_020231.3); short protein forms F35L.
Identifiers: ClinVar variation 2794738 (VCV002794738.3), dbSNP rs2473016630, ClinGen allele CA354034918.

ClinVar aggregate classification (germline): Uncertain significance (1 of 4 stars; one submission).

Submission:

Labcorp Genetics (formerly Invitae), Labcorp
Classification: Uncertain significance. Last evaluated: 2023-11-06. Review status: criteria provided, single submitter. Criteria: Invitae Variant Classification Sherloc (09022015). Collection method: clinical testing. Allele origin: germline.
Comment: This sequence change replaces phenylalanine, which is neutral and non-polar, with leucine, which is neutral and non-polar, at codon 35 of the POGLUT1 protein (p.Phe35Leu). This variant is not present in population databases (gnomAD no frequency). This variant has not been reported in the literature in individuals affected with POGLUT1-related conditions. Algorithms developed to predict the effect of missense changes on protein structure and function output the following: SIFT: "Not Available"; PolyPhen-2: "Benign"; Align-GVGD: "Not Available". The leucine amino acid residue is found in multiple mammalian species, which suggests that this missense change does not adversely affect protein function. In summary, the available evidence is currently insufficient to determine the role of this variant in disease. Therefore, it has been classified as a Variant of Uncertain Significance.